The following is an entry in ClinVar:

NM_012301.4(MAGI2):c.4048C>T (p.Pro1350Ser)

Genes: MAGI2 (membrane associated guanylate kinase, WW and PDZ domain containing 2; minus strand), LOC129998720 (ATAC-STARR-seq lymphoblastoid silent region 18332; plus strand). Cytogenetic location: 7q21.11.
Variant type: single nucleotide variant.
Coding change: c.4048C>T on transcript NM_012301.4 (MANE Select); coding-DNA position 4048, C replaced by T.
Protein change: p.Pro1350Ser; replaces proline 1350 with serine.
Molecular consequence: missense variant.
Genome position (GRCh38, 1-based): chr7:78,019,635, G>A on the plus strand (C>T on the coding strand, the complement: MAGI2 is on the minus strand). VCF-style: chr7-78019635-G-A. GRCh37 (hg19) VCF-style: chr7-77648952-G-A.
Other names: c.4006C>T, p.Pro1336Ser (NM_001301128.2); c.4048C>T (NM_012301.3); short protein forms P1336S, P1350S.
Identifiers: ClinVar variation 3594794 (VCV003594794.3).

ClinVar aggregate classification (germline): Uncertain significance. Review status: criteria provided, multiple submitters, no conflicts (2 of 4 stars). 3 submissions from 3 submitters: Uncertain significance (3). Last evaluated 2025-06-29.

Conditions:
Nephrotic syndrome 15. Identifiers: MedGen C4539896, MONDO:0033262, OMIM 617609.

Submissions (3):

Ambry Genetics
Classification: Uncertain significance. Last evaluated: 2025-06-29. Review status: criteria provided, single submitter. Criteria: Ambry Variant Classification Scheme 2023. Collection method: clinical testing. Allele origin: germline.

GeneDx
Classification: Uncertain significance. Last evaluated: 2025-04-29. Review status: criteria provided, single submitter. Criteria: GeneDx Variant Classification Process June 2021. Collection method: clinical testing. Allele origin: germline. Affected: yes.
Comment: Not observed at significant frequency in large population cohorts (gnomAD); In silico analysis indicates that this missense variant does not alter protein structure/function; Has not been previously published as pathogenic or benign to our knowledge

Fulgent Genetics
Classification: Uncertain significance for Nephrotic syndrome 15. Last evaluated: 2024-04-23. Review status: criteria provided, single submitter. Criteria: ACMG Guidelines, 2015. Collection method: clinical testing. Allele origin: germline.